The following is an entry in ClinVar:

ClinVar aggregate classification (germline): Uncertain significance (1 of 4 stars; one submission).

Conditions:
Hereditary cancer-predisposing syndrome. Also called: Neoplastic Syndromes, Hereditary; Tumor predisposition; Hereditary Cancer Syndrome; Hereditary neoplastic syndrome. Identifiers: Orphanet 140162, MedGen C0027672, MeSH D009386, MONDO:0015356.

Submission:

Ambry Genetics
Classification: Uncertain significance for Hereditary cancer-predisposing syndrome. Last evaluated: 2022-09-25. Review status: criteria provided, single submitter. Criteria: Ambry Variant Classification Scheme 2023. Collection method: clinical testing. Allele origin: germline.
Comment: The p.Q130H variant (also known as c.390A>T), located in coding exon 5 of the RAD51D gene, results from an A to T substitution at nucleotide position 390. The glutamine at codon 130 is replaced by histidine, an amino acid with highly similar properties. This amino acid position is conserved. In addition, the in silico prediction for this alteration is inconclusive. Since supporting evidence is limited at this time, the clinical significance of this alteration remains unclear.

NM_002878.4(RAD51D):c.390A>T (p.Gln130His)

Genes: RAD51D (RAD51 paralog D; minus strand), RAD51L3-RFFL (RAD51L3-RFFL readthrough; minus strand). Cytogenetic location: 17q12.
Variant type: single nucleotide variant.
Coding change: c.390A>T on transcript NM_002878.4 (MANE Select); coding-DNA position 390, A replaced by T.
Protein change: p.Gln130His; replaces glutamine 130 with histidine.
Molecular consequence: missense variant. On other transcripts: non-coding transcript variant (1), intron variant (1).
Genome position (GRCh38, 1-based): chr17:35,107,078, T>A on the plus strand (A>T on the coding strand, the complement: RAD51D is on the minus strand). VCF-style: chr17-35107078-T-A. GRCh37 (hg19) VCF-style: chr17-33434097-T-A.
Other names: c.450A>T, p.Gln150His (NM_001142571.2); c.145-597A>T (NM_133629.3); short protein forms Q130H, Q150H.
Identifiers: ClinVar variation 1736083 (VCV001736083.2), dbSNP rs2142433416, ClinGen allele CA399089320.